The following is an entry in ClinVar:

ClinVar aggregate classification (germline): Likely benign. Review status: criteria provided, multiple submitters, no conflicts (2 of 4 stars). 2 submissions from 2 submitters: Likely benign (2). Last evaluated 2026-06-18.

Conditions:
NUP155-related disorder. Also called: NUP155-related condition.

gnomAD v4.1: 199 of 1,613,704 alleles (0.012%); highest among the groups gnomAD compares: African/African-American, 0.045%; no homozygotes.

Submissions (2):

PreventionGenetics, part of Exact Sciences
Classification: Likely benign for NUP155-related condition. Last evaluated: 2026-06-18. Review status: criteria provided, single submitter. Criteria: ACMG Guidelines, 2015. Collection method: clinical testing. Allele origin: germline.
Comment: This variant is classified as likely benign based on ACMG/AMP sequence variant interpretation guidelines (Richards et al. 2015 PMID: 25741868, with internal and published modifications).

Blueprint Genetics
Classification: Likely benign. Last evaluated: 2024-10-28. Review status: criteria provided, single submitter. Criteria: ACMG Guidelines, 2015. Collection method: clinical testing. Allele origin: germline.

NM_153485.3(NUP155):c.1389G>A (p.Ala463=)

Gene: NUP155 (nucleoporin 155; minus strand). Cytogenetic location: 5p13.2.
Variant type: single nucleotide variant.
Coding change: c.1389G>A on transcript NM_153485.3 (MANE Select); coding-DNA position 1389, G replaced by A.
Protein change: p.Ala463=; no amino-acid change (alanine 463 retained).
Molecular consequence: synonymous variant.
Genome position (GRCh38, 1-based): chr5:37,333,592, C>T on the plus strand (G>A on the coding strand, the complement: NUP155 is on the minus strand). VCF-style: chr5-37333592-C-T. GRCh37 (hg19) VCF-style: chr5-37333694-C-T.
Other names: c.1389G>A, p.Ala463= (NM_001278312.2); c.1212G>A, p.Ala404= (NM_004298.4); c.1389G>A (NM_153485.2).
Identifiers: ClinVar variation 4970132 (VCV004970132.2).
Genomic context (GRCh38, chr5:37,333,592, plus strand): 5'-TATTGGAATATGATCCTTGTTTAAAGGTGTAATTATTTTATCTACTTTCAATTCATCTAT[C>T]GCAGAAAGAGCCCAGGAATGACCATCAACACCAGCTGTCATCTATGTAAAAGAAATAAAT-3'
Protein context (NP_705618.1, residues 453-473): GVDGHSWALS[Ala463=]IDELKVDKII